The following is an entry in ClinVar:

ClinVar aggregate classification (germline): Uncertain significance. Review status: criteria provided, multiple submitters, no conflicts (2 of 4 stars). 3 submissions from 3 submitters: Uncertain significance (3). Last evaluated 2026-09-21.

Conditions:
Fetal anomalies with a likely genetic cause.
Cardiovascular phenotype. Identifiers: MedGen CN230736.

Allele frequency attached by ClinVar (database versions not stated): gnomAD exomes below 0.00001; TOPMed 0.00001; ExAC 0.00001.
gnomAD v4.1: 3 of 1,613,954 alleles (0.00019%); highest among the groups gnomAD compares: Non-Finnish European, 0.00025%; no homozygotes.

Submissions (3):

Genetics Laboratory, Great Ormond Street Hospital NHS Foundation Trust, North Thames Genomic Laboratory Hub
Classification: Uncertain significance for Fetal anomalies with a likely genetic cause. Last evaluated: 2026-09-21. Review status: criteria provided, single submitter. Criteria: ACGS Best Practice Guidelines for Variant Classification in Rare Disease 2024 v1.2. Collection method: clinical testing. Allele origin: germline. Affected: yes.
Comment: PP3_supporting, PM5_moderate, PP2_supporting

Ambry Genetics
Classification: Uncertain significance for Cardiovascular phenotype. Last evaluated: 2022-09-16. Review status: criteria provided, single submitter. Criteria: Ambry Variant Classification Scheme 2023. Collection method: clinical testing. Allele origin: germline.
Comment: The p.R173C variant (also known as c.517C>T), located in coding exon 4 of the PTPN11 gene, results from a C to T substitution at nucleotide position 517. The arginine at codon 173 is replaced by cysteine, an amino acid with highly dissimilar properties. This amino acid position is well conserved in available vertebrate species. In addition, this alteration is predicted to be deleterious by in silico analysis. Since supporting evidence is limited at this time, the clinical significance of this alteration remains unclear.

Blueprint Genetics
Classification: Uncertain significance. Last evaluated: 2018-08-16. Review status: criteria provided, single submitter. Criteria: ACMG Guidelines, 2015. Collection method: clinical testing. Allele origin: germline.

NM_002834.5(PTPN11):c.517C>T (p.Arg173Cys)

Gene: PTPN11 (protein tyrosine phosphatase non-receptor type 11; plus strand). Cytogenetic location: 12q24.13.
Variant type: single nucleotide variant.
Coding change: c.517C>T on transcript NM_002834.5 (MANE Select); coding-DNA position 517, C replaced by T.
Protein change: p.Arg173Cys; replaces arginine 173 with cysteine.
Molecular consequence: missense variant.
Genome position (GRCh38, 1-based): chr12:112,453,379, C>T. VCF-style: chr12-112453379-C-T. GRCh37 (hg19) VCF-style: chr12-112891183-C-T.
Other names: c.517C>T, p.Arg173Cys (NM_001330437.2, NM_080601.3); c.514C>T, p.Arg172Cys (NM_001374625.1); short protein forms R172C, R173C.
Identifiers: ClinVar variation 1745844 (VCV001745844.4), dbSNP rs545138829, ClinGen allele CA6798555.
Genomic context (GRCh38, chr12:112,453,379, plus strand): 5'-ACTGGTGATGACAAAGGGGAGAGCAATGACGGCAAGTCTAAAGTGACCCATGTTATGATT[C>T]GCTGTCAGGTAAATCTCCAGTTGAAAAATGGGTCTGGCAAGATGTTACCTTTGGGTGATT-3'
Protein context (NP_002825.3, residues 163-183): GKSKVTHVMI[Arg173Cys]CQELKYDVGG